The following is an entry in ClinVar:

NM_000222.3(KIT):c.2357A>G (p.Lys786Arg)

Gene: KIT (KIT proto-oncogene, receptor tyrosine kinase; plus strand). Cytogenetic location: 4q12.
Variant type: single nucleotide variant.
Coding change: c.2357A>G on transcript NM_000222.3 (MANE Select); coding-DNA position 2357, A replaced by G.
Protein change: p.Lys786Arg; replaces lysine 786 with arginine.
Molecular consequence: missense variant.
Genome position (GRCh38, 1-based): chr4:54,731,994, A>G. VCF-style: chr4-54731994-A-G. GRCh37 (hg19) VCF-style: chr4-55598160-A-G.
Other names: c.2345A>G, p.Lys782Arg (NM_001093772.2, NM_001385292.1); c.2360A>G, p.Lys787Arg (NM_001385284.1); c.2354A>G, p.Lys785Arg (NM_001385285.1); c.2342A>G, p.Lys781Arg (NM_001385286.1); c.2348A>G, p.Lys783Arg (NM_001385288.1); c.2357A>G, p.Lys786Arg (NM_001385290.1); short protein forms K781R, K783R, K787R, K782R, K785R, K786R.
Identifiers: ClinVar variation 1414434 (VCV001414434.8), dbSNP rs2109796131, ClinGen allele CA356911171.

ClinVar aggregate classification (germline): Uncertain significance (1 of 4 stars; one submission).

Conditions:
Gastrointestinal stromal tumor. Also called: Gastrointestinal stroma tumor; Gastrointestinal stromal tumor, somatic. Identifiers: Orphanet 44890, MedGen C0238198, MeSH D046152, MONDO:0011719, OMIM 606764, HP:0100723.

Submission:

Labcorp Genetics (formerly Invitae), Labcorp
Classification: Uncertain significance for Gastrointestinal stromal tumor. Last evaluated: 2021-03-15. Review status: criteria provided, single submitter. Criteria: Invitae Variant Classification Sherloc (09022015). Collection method: clinical testing. Allele origin: germline.
Comment: In summary, the available evidence is currently insufficient to determine the role of this variant in disease. Therefore, it has been classified as a Variant of Uncertain Significance. Algorithms developed to predict the effect of sequence changes on RNA splicing suggest that this variant may create or strengthen a splice site, but this prediction has not been confirmed by published transcriptional studies. Algorithms developed to predict the effect of missense changes on protein structure and function (SIFT, PolyPhen-2, Align-GVGD) all suggest that this variant is likely to be disruptive, but these predictions have not been confirmed by published functional studies and their clinical significance is uncertain. This variant has not been reported in the literature in individuals with KIT-related conditions. This variant is not present in population databases (ExAC no frequency). This sequence change replaces lysine with arginine at codon 786 of the KIT protein (p.Lys786Arg). The lysine residue is highly conserved and there is a small physicochemical difference between lysine and arginine.